The following is an entry in ClinVar:

NM_000551.4(VHL):c.471T>C (p.Thr157=)

Genes: VHL (von Hippel-Lindau tumor suppressor; plus strand), LOC107303340 (3p25 von Hippel-Lindau tumor suppressor, E3 ubiquitin protein ligase Alu-mediated recombination region; plus strand). Cytogenetic location: 3p25.3.
Variant type: single nucleotide variant.
Coding change: c.471T>C on transcript NM_000551.4 (MANE Select); coding-DNA position 471, T replaced by C.
Protein change: p.Thr157=; no amino-acid change (threonine 157 retained).
Molecular consequence: synonymous variant. On other transcripts: 3 prime UTR variant (1).
Genome position (GRCh38, 1-based): chr3:10,149,794, T>C. VCF-style: chr3-10149794-T-C. GRCh37 (hg19) VCF-style: chr3-10191478-T-C.
Other names: c.*25T>C (NM_001354723.2); c.348T>C, p.Thr116= (NM_198156.3).
Identifiers: ClinVar variation 746138 (VCV000746138.12), dbSNP rs1252473811, ClinGen allele CA432423079.

ClinVar aggregate classification (germline): Benign/Likely benign. Review status: criteria provided, multiple submitters, no conflicts (2 of 4 stars). 4 submissions from 4 submitters: Benign (1); Likely benign (3). Last evaluated 2025-06-12.

Conditions:
Chuvash polycythemia. Also called: POLYCYTHEMIA, VHL-DEPENDENT. Identifiers: Orphanet 238557, MedGen C1837915, MONDO:0009892, OMIM 263400.
Von Hippel-Lindau syndrome (VHLS). Also called: VHL syndrome; Von Hippel-Lindau; von Hippel–Lindau syndrome. Identifiers: Orphanet 892, MedGen C0019562, MONDO:0008667, OMIM 193300. Disease mechanism: loss of function.
Hereditary cancer-predisposing syndrome. Also called: Tumor predisposition; Hereditary Cancer Syndrome; Neoplastic Syndromes, Hereditary; Hereditary neoplastic syndrome. Identifiers: Orphanet 140162, MedGen C0027672, MeSH D009386, MONDO:0015356.

Allele frequency attached by ClinVar (database versions not stated): gnomAD exomes below 0.00001; gnomAD 0.00001.
gnomAD v4.1: 2 of 1,613,978 alleles (0.00012%); highest among the groups gnomAD compares: African/African-American, 0.0027%; no homozygotes.

Submissions (4):

Myriad Genetics, Inc.
Classification: Benign for Von Hippel-Lindau syndrome. Last evaluated: 2025-06-12. Review status: criteria provided, single submitter. Criteria: Myriad Autosomal Dominant, Autosomal Recessive and X-Linked Classification Criteria (2023). Collection method: clinical testing. Allele origin: unknown.
Comment: This variant is considered benign. This variant is a silent/synonymous amino acid change and it is not expected to impact splicing.

Ambry Genetics
Classification: Likely benign for Hereditary cancer-predisposing syndrome. Last evaluated: 2023-11-03. Review status: criteria provided, single submitter. Criteria: Ambry Variant Classification Scheme 2023. Collection method: clinical testing. Allele origin: germline.

All of Us Research Program, National Institutes of Health
Classification: Likely benign for Von Hippel-Lindau syndrome. Last evaluated: 2023-09-04. Review status: criteria provided, single submitter. Criteria: ACMG Guidelines, 2015. Collection method: clinical testing. Allele origin: germline. Inheritance: Autosomal dominant inheritance. Observed: 1 variant allele, 1 heterozygote.
Comment: This study involves interpretation of variants in research participants for the purpose of population health screening. Participant phenotype was not available at the time of variant classification. Additional details can be found in publication PMID: 35346344, PMCID: PMC8962531

Labcorp Genetics (formerly Invitae), Labcorp
Classification: Likely benign for Von Hippel-Lindau syndrome; Chuvash polycythemia. Last evaluated: 2022-12-29. Review status: criteria provided, single submitter. Criteria: Invitae Variant Classification Sherloc (09022015). Collection method: clinical testing. Allele origin: germline.